The following is an entry in ClinVar:

ClinVar aggregate classification (germline): Uncertain significance (1 of 4 stars; one submission).

Allele frequency attached by ClinVar (database versions not stated): TOPMed 0.00002; gnomAD 0.00003; ExAC 0.00007; 1000 Genomes Project 30x 0.00016; 1000 Genomes Project 0.00020.
gnomAD v4.1: 68 of 1,613,914 alleles (0.0042%); highest among the groups gnomAD compares: South Asian, 0.034%; 1 homozygote.

Submission:

Labcorp Genetics (formerly Invitae), Labcorp
Classification: Uncertain significance. Last evaluated: 2023-10-22. Review status: criteria provided, single submitter. Criteria: Invitae Variant Classification Sherloc (09022015). Collection method: clinical testing. Allele origin: germline.
Comment: This sequence change replaces alanine, which is neutral and non-polar, with valine, which is neutral and non-polar, at codon 172 of the SORL1 protein (p.Ala172Val). This variant is present in population databases (rs201798962, gnomAD 0.04%), and has an allele count higher than expected for a pathogenic variant. This missense change has been observed in individual(s) with clinical features of SORL1-related conditions (PMID: 28789839). Algorithms developed to predict the effect of missense changes on protein structure and function output the following: SIFT: "Not Available"; PolyPhen-2: "Benign"; Align-GVGD: "Not Available". The valine amino acid residue is found in multiple mammalian species, which suggests that this missense change does not adversely affect protein function. In summary, the available evidence is currently insufficient to determine the role of this variant in disease. Therefore, it has been classified as a Variant of Uncertain Significance.

Literature cited by the submitters: PubMed 28789839.

NM_003105.6(SORL1):c.515C>T (p.Ala172Val)

Genes: SORL1 (sortilin related receptor 1; plus strand), LOC105369535 (uncharacterized LOC105369535; minus strand). Cytogenetic location: 11q24.1.
Variant type: single nucleotide variant.
Coding change: c.515C>T on transcript NM_003105.6 (MANE Select); coding-DNA position 515, C replaced by T.
Protein change: p.Ala172Val; replaces alanine 172 with valine.
Molecular consequence: missense variant.
Genome position (GRCh38, 1-based): chr11:121,478,230, C>T. VCF-style: chr11-121478230-C-T. GRCh37 (hg19) VCF-style: chr11-121348939-C-T.
Other names: short protein forms A172V.
Identifiers: ClinVar variation 2910301 (VCV002910301.3), dbSNP rs201798962, ClinGen allele CA6328379.